The following is an entry in ClinVar:

ClinVar aggregate classification (germline): Uncertain significance (1 of 4 stars; one submission).

gnomAD v4.1: 1 of 1,614,192 alleles (0.000062%); highest among the groups gnomAD compares: African/African-American, 0.0013%; no homozygotes.

Submission:

GeneDx
Classification: Uncertain significance. Last evaluated: 2022-03-31. Review status: criteria provided, single submitter. Criteria: GeneDx Variant Classification Process June 2021. Collection method: clinical testing. Allele origin: germline. Affected: yes.
Comment: Not observed at significant frequency in large population cohorts (gnomAD); In silico analysis supports that this missense variant has a deleterious effect on protein structure/function; Has not been previously published as pathogenic or benign to our knowledge

NM_017646.6(TRIT1):c.596A>C (p.His199Pro)

Gene: TRIT1 (tRNA isopentenyltransferase 1; minus strand). Cytogenetic location: 1p34.2.
Variant type: single nucleotide variant.
Coding change: c.596A>C on transcript NM_017646.6 (MANE Select); coding-DNA position 596, A replaced by C.
Protein change: p.His199Pro; replaces histidine 199 with proline.
Molecular consequence: missense variant.
Genome position (GRCh38, 1-based): chr1:39,850,226, T>G on the plus strand (A>C on the coding strand, the complement: TRIT1 is on the minus strand). VCF-style: chr1-39850226-T-G. GRCh37 (hg19) VCF-style: chr1-40315898-T-G.
Other names: c.596A>C, p.His199Pro (NM_001312691.2); c.356A>C, p.His119Pro (NM_001312692.2); short protein forms H119P, H199P.
Identifiers: ClinVar variation 1707797 (VCV001707797.2), dbSNP rs760045849, ClinGen allele CA339836735.